The following is an entry in ClinVar:

NM_020928.2(ZSWIM6):c.15A>G (p.Gly5=)

Gene: ZSWIM6 (zinc finger SWIM-type containing 6; plus strand). Cytogenetic location: 5q12.1.
Variant type: single nucleotide variant.
Coding change: c.15A>G on transcript NM_020928.2 (MANE Select); coding-DNA position 15, A replaced by G.
Protein change: p.Gly5=; no amino-acid change (glycine 5 retained).
Molecular consequence: synonymous variant.
Genome position (GRCh38, 1-based): chr5:61,332,287, A>G. VCF-style: chr5-61332287-A-G. GRCh37 (hg19) VCF-style: chr5-60628114-A-G.
Identifiers: ClinVar variation 3030465 (VCV003030465.2), dbSNP rs1444795610, ClinGen allele CA444538777.

ClinVar aggregate classification (germline): Likely benign (0 of 4 stars; one submission).

Conditions:
ZSWIM6-related disorder. Also called: ZSWIM6-related condition.

Allele frequency attached by ClinVar (database versions not stated): TOPMed 0.00001; gnomAD 0.00002.
gnomAD v4.1: 8 of 1,163,406 alleles (0.00069%); highest among the groups gnomAD compares: East Asian, 0.019%; no homozygotes.

Submission:

PreventionGenetics, part of Exact Sciences
Classification: Likely benign for ZSWIM6-related condition. Last evaluated: 2023-02-28. Review status: no assertion criteria provided. Collection method: clinical testing. Allele origin: germline.
Comment: This variant is classified as likely benign based on ACMG/AMP sequence variant interpretation guidelines (Richards et al. 2015 PMID: 25741868, with internal and published modifications).